The following is an entry in ClinVar:

ClinVar aggregate classification (germline): Uncertain significance. Review status: criteria provided, multiple submitters, no conflicts (2 of 4 stars). 2 submissions from 2 submitters: Uncertain significance (2). Last evaluated 2023-04-28.

Conditions:
Inborn genetic diseases. Identifiers: MedGen C0950123, MeSH D030342.

Allele frequency attached by ClinVar (database versions not stated): TOPMed 0.00022.
gnomAD v4.1: 641 of 1,614,030 alleles (0.04%); highest among the groups gnomAD compares: Non-Finnish European, 0.052%; no homozygotes.

Submissions (2):

Labcorp Genetics (formerly Invitae), Labcorp
Classification: Uncertain significance. Last evaluated: 2023-04-28. Review status: criteria provided, single submitter. Criteria: Invitae Variant Classification Sherloc (09022015). Collection method: clinical testing. Allele origin: germline.
Comment: This sequence change replaces threonine, which is neutral and polar, with proline, which is neutral and non-polar, at codon 562 of the STT3A protein (p.Thr562Pro). This variant is present in population databases (rs199831028, gnomAD 0.04%). In summary, the available evidence is currently insufficient to determine the role of this variant in disease. Therefore, it has been classified as a Variant of Uncertain Significance. Advanced modeling of protein sequence and biophysical properties (such as structural, functional, and spatial information, amino acid conservation, physicochemical variation, residue mobility, and thermodynamic stability) performed at Invitae indicates that this missense variant is not expected to disrupt STT3A protein function. ClinVar contains an entry for this variant (Variation ID: 1493345). This variant has not been reported in the literature in individuals affected with STT3A-related conditions.

Ambry Genetics
Classification: Uncertain significance for Inborn genetic diseases. Last evaluated: 2021-07-19. Review status: criteria provided, single submitter. Criteria: Ambry Variant Classification Scheme 2023. Collection method: clinical testing. Allele origin: germline.

NM_152713.5(STT3A):c.1684A>C (p.Thr562Pro)

Gene: STT3A (STT3 oligosaccharyltransferase complex catalytic subunit A; plus strand). Cytogenetic location: 11q24.2.
Variant type: single nucleotide variant.
Coding change: c.1684A>C on transcript NM_152713.5 (MANE Select); coding-DNA position 1684, A replaced by C.
Protein change: p.Thr562Pro; replaces threonine 562 with proline.
Molecular consequence: missense variant.
Genome position (GRCh38, 1-based): chr11:125,614,336, A>C. VCF-style: chr11-125614336-A-C. GRCh37 (hg19) VCF-style: chr11-125484231-A-C.
Other names: c.1684A>C, p.Thr562Pro (NM_001278503.2); c.1408A>C, p.Thr470Pro (NM_001278504.2); c.1684A>C (NM_152713.3); short protein forms T470P, T562P.
Identifiers: ClinVar variation 1493345 (VCV001493345.9), dbSNP rs199831028, ClinGen allele CA6349130.